The following is an entry in ClinVar:

ClinVar aggregate classification (germline): Uncertain significance (1 of 4 stars; one submission).

Submission:

Labcorp Genetics (formerly Invitae), Labcorp
Classification: Uncertain significance. Last evaluated: 2024-03-05. Review status: criteria provided, single submitter. Criteria: Invitae Variant Classification Sherloc (09022015). Collection method: clinical testing. Allele origin: germline.
Comment: This sequence change replaces isoleucine, which is neutral and non-polar, with methionine, which is neutral and non-polar, at codon 457 of the HERC1 protein (p.Ile457Met). This variant is not present in population databases (gnomAD no frequency). This variant has not been reported in the literature in individuals affected with HERC1-related conditions. Advanced modeling of protein sequence and biophysical properties (such as structural, functional, and spatial information, amino acid conservation, physicochemical variation, residue mobility, and thermodynamic stability) performed at Invitae indicates that this missense variant is not expected to disrupt HERC1 protein function with a negative predictive value of 80%. In summary, the available evidence is currently insufficient to determine the role of this variant in disease. Therefore, it has been classified as a Variant of Uncertain Significance.

NM_003922.4(HERC1):c.1371T>G (p.Ile457Met)

Gene: HERC1 (HECT and RLD domain containing E3 ubiquitin protein ligase family member 1; minus strand). Cytogenetic location: 15q22.31.
Variant type: single nucleotide variant.
Coding change: c.1371T>G on transcript NM_003922.4 (MANE Select); coding-DNA position 1371, T replaced by G.
Protein change: p.Ile457Met; replaces isoleucine 457 with methionine.
Molecular consequence: missense variant.
Genome position (GRCh38, 1-based): chr15:63,756,599, A>C on the plus strand (T>G on the coding strand, the complement: HERC1 is on the minus strand). VCF-style: chr15-63756599-A-C. GRCh37 (hg19) VCF-style: chr15-64048798-A-C.
Other names: short protein forms I457M.
Identifiers: ClinVar variation 3644670 (VCV003644670.2).